The following is an entry in ClinVar:

ClinVar aggregate classification (germline): Benign. Review status: criteria provided, single submitter (1 of 4 stars). 2 submissions from 2 submitters: Benign (1). 1 of the submissions does not count toward it. Last evaluated 2018-06-29.

Conditions:
ATP10A-related disorder. Also called: ATP10A-related condition.

Allele frequency attached by ClinVar (database versions not stated): ESP Exome Variant Server 0.00015; gnomAD 0.00036 and 0.00052; gnomAD exomes 0.00040 and 0.00103; TOPMed 0.00075; ExAC 0.00086; 1000 Genomes Project 0.00160; 1000 Genomes Project 30x 0.00141.
gnomAD v4.1: 672 of 1,603,574 alleles (0.042%); highest among the groups gnomAD compares: East Asian, 1.1%; 7 homozygotes.

Submissions (2):

Labcorp Genetics (formerly Invitae), Labcorp
Classification: Benign. Last evaluated: 2018-06-29. Review status: criteria provided, single submitter. Criteria: Invitae Variant Classification Sherloc (09022015). Collection method: clinical testing. Allele origin: germline.

PreventionGenetics, part of Exact Sciences
Classification: Benign for ATP10A-related condition. Last evaluated: 2019-08-12. Review status: no assertion criteria provided. Collection method: clinical testing. Allele origin: germline. Not counted in ClinVar's aggregate classification.
Comment: This variant is classified as benign based on ACMG/AMP sequence variant interpretation guidelines (Richards et al. 2015 PMID: 25741868, with internal and published modifications).

NM_024490.4(ATP10A):c.1099A>G (p.Ile367Val)

Gene: ATP10A (ATPase phospholipid transporting 10A (putative); minus strand). Cytogenetic location: 15q12.
Variant type: single nucleotide variant.
Coding change: c.1099A>G on transcript NM_024490.4 (MANE Select); coding-DNA position 1099, A replaced by G.
Protein change: p.Ile367Val; replaces isoleucine 367 with valine.
Molecular consequence: missense variant.
Genome position (GRCh38, 1-based): chr15:25,723,902, T>C on the plus strand (A>G on the coding strand, the complement: ATP10A is on the minus strand). VCF-style: chr15-25723902-T-C. GRCh37 (hg19) VCF-style: chr15-25969049-T-C.
Other names: short protein forms I367V.
Identifiers: ClinVar variation 733528 (VCV000733528.5), dbSNP rs77977805, ClinGen allele CA7436926.